The following is an entry in ClinVar:

ClinVar aggregate classification (germline): Uncertain significance (1 of 4 stars; one submission).

Submission:

GeneDx
Classification: Uncertain significance. Last evaluated: 2025-05-27. Review status: criteria provided, single submitter. Criteria: GeneDx Variant Classification Process June 2021. Collection method: clinical testing. Allele origin: germline. Affected: yes.
Comment: Not observed at significant frequency in large population cohorts (gnomAD); In silico analysis supports that this missense variant has a deleterious effect on protein structure/function; Has not been previously published as pathogenic or benign to our knowledge

NM_015557.3(CHD5):c.2720A>T (p.Glu907Val)

Gene: CHD5 (chromodomain helicase DNA binding protein 5; minus strand). Cytogenetic location: 1p36.31.
Variant type: single nucleotide variant.
Coding change: c.2720A>T on transcript NM_015557.3 (MANE Select); coding-DNA position 2720, A replaced by T.
Protein change: p.Glu907Val; replaces glutamic acid 907 with valine.
Molecular consequence: missense variant.
Genome position (GRCh38, 1-based): chr1:6,135,380, T>A on the plus strand (A>T on the coding strand, the complement: CHD5 is on the minus strand). VCF-style: chr1-6135380-T-A. GRCh37 (hg19) VCF-style: chr1-6195440-T-A.
Other names: short protein forms E907V.
Identifiers: ClinVar variation 4532650 (VCV004532650.1).
Genomic context (GRCh38, chr1:6,135,380, plus strand): 5'-TGCGGCCCCAGCAGGTCATGCAGCTTCTTGATCTGGTCTTCCTTGGAGATGTCAGCAAAC[T>A]CCTCCAGGAAGCCCTCCAGGTTGCTGCAACAAAAAGCTGGGATAACAGCCAGGAGCAGAG-3'
Protein context (NP_056372.1, residues 897-917): RFNNLEGFLE[Glu907Val]FADISKEDQI